The following is an entry in ClinVar:

ClinVar aggregate classification (germline): Uncertain significance (1 of 4 stars; one submission).

Conditions:
Hereditary cancer-predisposing syndrome. Also called: Neoplastic Syndromes, Hereditary; Tumor predisposition; Hereditary Cancer Syndrome; Hereditary neoplastic syndrome. Identifiers: Orphanet 140162, MedGen C0027672, MeSH D009386, MONDO:0015356.

Submission:

Color Diagnostics, LLC DBA Color Health
Classification: Uncertain significance for Hereditary cancer-predisposing syndrome. Last evaluated: 2021-11-16. Review status: criteria provided, single submitter. Criteria: ACMG Guidelines, 2015. Collection method: clinical testing. Allele origin: germline.
Comment: This missense variant replaces arginine with serine at codon 2087 of the BRCA2 protein. Computational prediction suggests that this variant may not impact protein structure and function (internally defined REVEL score threshold <= 0.5, PMID: 27666373). To our knowledge, functional studies have not been reported for this variant. This variant has not been reported in individuals affected with hereditary cancer in the literature. This variant has not been identified in the general population by the Genome Aggregation Database (gnomAD). The available evidence is insufficient to determine the role of this variant in disease conclusively. Therefore, this variant is classified as a Variant of Uncertain Significance.

NM_000059.4(BRCA2):c.6261A>T (p.Arg2087Ser)

Gene: BRCA2 (BRCA2 DNA repair associated; plus strand). Cytogenetic location: 13q13.1.
Variant type: single nucleotide variant.
Coding change: c.6261A>T on transcript NM_000059.4 (MANE Select); coding-DNA position 6261, A replaced by T.
Protein change: p.Arg2087Ser; replaces arginine 2087 with serine.
Molecular consequence: missense variant. On other transcripts: non-coding transcript variant (1), intron variant (2).
Genome position (GRCh38, 1-based): chr13:32,340,616, A>T. VCF-style: chr13-32340616-A-T. GRCh37 (hg19) VCF-style: chr13-32914753-A-T.
Other names: c.6261A>T, p.Arg2087Ser (NM_001406719.1, NM_001406720.1); c.1910-3942A>T (NM_001406721.1); c.425-3942A>T (NM_001406722.1); short protein forms R2087S.
Identifiers: ClinVar variation 2774932 (VCV002774932.2), dbSNP rs1593908028, ClinGen allele CA387788951.